The following is an entry in ClinVar:

ClinVar aggregate classification (germline): Uncertain significance (1 of 4 stars; one submission).

Conditions:
Baller-Gerold syndrome (BGS). Also called: CRANIOSYNOSTOSIS WITH RADIAL DEFECTS. Identifiers: Orphanet 1225, MedGen C0265308, MONDO:0009039, OMIM 218600.

Submission:

Labcorp Genetics (formerly Invitae), Labcorp
Classification: Uncertain significance for Baller-Gerold syndrome. Last evaluated: 2023-10-13. Review status: criteria provided, single submitter. Criteria: Invitae Variant Classification Sherloc (09022015). Collection method: clinical testing. Allele origin: germline.
Comment: This sequence change falls in intron 1 of the RECQL4 gene. It does not directly change the encoded amino acid sequence of the RECQL4 protein. This variant is not present in population databases (gnomAD no frequency). This variant has not been reported in the literature in individuals affected with RECQL4-related conditions. ClinVar contains an entry for this variant (Variation ID: 1398215). Algorithms developed to predict the effect of sequence changes on RNA splicing suggest that this variant may disrupt the consensus splice site. In summary, the available evidence is currently insufficient to determine the role of this variant in disease. Therefore, it has been classified as a Variant of Uncertain Significance.

NM_004260.4(RECQL4):c.85-21_85-12del

Genes: RECQL4 (RecQ like helicase 4; minus strand), LOC130001411 (ATAC-STARR-seq lymphoblastoid silent region 19699; plus strand). Cytogenetic location: 8q24.3.
Variant type: Deletion.
Coding change: c.85-21_85-12del on transcript NM_004260.4 (MANE Select); 21 bases into the intron before coding-DNA position 85 through 12 bases into the intron before coding-DNA position 85, 10 bases deleted (GCTGACGCGT; older notation c.85-21_85-12delGCTGACGCGT).
Molecular consequence: intron variant.
Genome position (GRCh38, 1-based): chr8:144,517,647-144,517,656, ACGCGTCAGC deleted on the plus strand (GCTGACGCGT on the coding strand, the reverse complement: RECQL4 is on the minus strand). VCF-style (leftmost placement, unchanged base first): chr8-144517646-AACGCGTCAGC-A. GRCh37 (hg19) VCF-style: chr8-145743030-AACGCGTCAGC-A.
Identifiers: ClinVar variation 1398215 (VCV001398215.6), dbSNP rs2130744106, ClinGen allele CA2573142953.